The following is an entry in ClinVar:

NM_182961.4(SYNE1):c.338A>G (p.Asp113Gly)

Gene: SYNE1 (spectrin repeat containing nuclear envelope protein 1; minus strand). Cytogenetic location: 6q25.2.
Variant type: single nucleotide variant.
Coding change: c.338A>G on transcript NM_182961.4 (MANE Select); coding-DNA position 338, A replaced by G.
Protein change: p.Asp113Gly; replaces aspartic acid 113 with glycine.
Molecular consequence: missense variant.
Genome position (GRCh38, 1-based): chr6:152,511,075, T>C on the plus strand (A>G on the coding strand, the complement: SYNE1 is on the minus strand). VCF-style: chr6-152511075-T-C. GRCh37 (hg19) VCF-style: chr6-152832210-T-C.
Other names: c.359A>G, p.Asp120Gly (NM_033071.5); short protein forms D113G, D120G.
Identifiers: ClinVar variation 288829 (VCV000288829.33), dbSNP rs886044019, ClinGen allele CA10606238.
Genomic context (GRCh38, chr6:152,511,075, plus strand): 5'-AAATATAGAATAATGGTCCACATCAATCCAAGAACTATTGAGGGTCGGCCATCAGCTATA[T>C]CGGTGGAGTTAATGTTGACTAATTTAATCTGTTTAAAAAAGAGAAACTGTACTAGTAATG-3'
Protein context (NP_892006.3, residues 103-123): KIKLVNINST[Asp113Gly]IADGRPSIVL

ClinVar aggregate classification (germline): Uncertain significance. Review status: criteria provided, multiple submitters, no conflicts (2 of 4 stars). 3 submissions from 3 submitters: Uncertain significance (3). Last evaluated 2022-11-01.

Conditions:
Emery-Dreifuss muscular dystrophy 4, autosomal dominant (EDMD4). Also called: EMERY-DREIFUSS MUSCULAR DYSTROPHY 4 WITH VARIABLE FEATURES. Identifiers: Orphanet 261, MedGen C2751807, MONDO:0013071, OMIM 612998.
Autosomal recessive ataxia, Beauce type. Also called: SYNE1 Deficiency; SYNE1-Related Autosomal Recessive Cerebellar Ataxia; ATAXIA, RECESSIVE, OF BEAUCE; Spinocerebellar ataxia, autosomal recessive 8. Identifiers: Orphanet 88644, MedGen C1853116, MONDO:0012549, OMIM 610743.

Allele frequency attached by ClinVar (database versions not stated): gnomAD exomes 0.00001; TOPMed 0.00002.
gnomAD v4.1: 3 of 1,614,020 alleles (0.00019%); highest among the groups gnomAD compares: Non-Finnish European, 0.00025%; no homozygotes.

Submissions (3):

CeGaT Center for Human Genetics Tuebingen
Classification: Uncertain significance. Last evaluated: 2022-11-01. Review status: criteria provided, single submitter. Criteria: CeGaT Center For Human Genetics Tuebingen Variant Classification Criteria Version 2. Collection method: clinical testing. Allele origin: germline. Affected: yes. Observed: 1 variant allele.
Comment: SYNE1: PM2

Labcorp Genetics (formerly Invitae), Labcorp
Classification: Uncertain significance for Emery-Dreifuss muscular dystrophy 4, autosomal dominant; Autosomal recessive ataxia, Beauce type. Last evaluated: 2021-12-20. Review status: criteria provided, single submitter. Criteria: Invitae Variant Classification Sherloc (09022015). Collection method: clinical testing. Allele origin: germline.
Comment: Algorithms developed to predict the effect of sequence changes on RNA splicing suggest that this variant may create or strengthen a splice site. Algorithms developed to predict the effect of missense changes on protein structure and function are either unavailable or do not agree on the potential impact of this missense change (SIFT: "Deleterious"; PolyPhen-2: "Probably Damaging"; Align-GVGD: "Class C0"). ClinVar contains an entry for this variant (Variation ID: 288829). This variant has not been reported in the literature in individuals affected with SYNE1-related conditions. This variant is not present in population databases (gnomAD no frequency). This sequence change replaces aspartic acid, which is acidic and polar, with glycine, which is neutral and non-polar, at codon 120 of the SYNE1 protein (p.Asp120Gly). In summary, the available evidence is currently insufficient to determine the role of this variant in disease. Therefore, it has been classified as a Variant of Uncertain Significance.

Eurofins Ntd Llc (ga)
Classification: Uncertain significance. Last evaluated: 2016-06-20. Review status: criteria provided, single submitter. Criteria: EGL Classification Definitions 2015. Collection method: clinical testing. Allele origin: germline. Observed: 1 variant allele, 1 heterozygote.